The following is an entry in ClinVar:

ClinVar aggregate classification (germline): Benign/Likely benign. Review status: criteria provided, multiple submitters, no conflicts (2 of 4 stars). 12 submissions from 12 submitters: Benign (10); Likely benign (1). 1 of the submissions does not count toward it. Last evaluated 2026-02-04.

Conditions:
Primary ciliary dyskinesia. Also called: Ciliary dyskinesia. Identifiers: Orphanet 244, MedGen C0008780, MONDO:0016575, HP:0012265.
Primary ciliary dyskinesia 10. Also called: CILIARY DYSKINESIA, PRIMARY, 10, WITH OR WITHOUT SITUS INVERSUS. Identifiers: Orphanet 244, MedGen C2675867, MONDO:0012918, OMIM 612518.

Allele frequency attached by ClinVar (database versions not stated): 1000 Genomes Project 0.55911; 1000 Genomes Project 30x 0.56839; ExAC 0.61346; gnomAD exomes 0.64378; TOPMed 0.69952; gnomAD 0.70412 and 0.70870.
gnomAD v4.1: 1,112,004 of 1,527,492 alleles (73%); highest among the groups gnomAD compares: Non-Finnish European, 77%; 415,888 homozygotes.

Submissions (12):

Labcorp Genetics (formerly Invitae), Labcorp
Classification: Benign for Primary ciliary dyskinesia. Last evaluated: 2026-02-04. Review status: criteria provided, single submitter. Criteria: Invitae Variant Classification Sherloc (09022015). Collection method: clinical testing. Allele origin: germline.

Blueprint Genetics
Classification: Likely benign. Last evaluated: 2024-11-27. Review status: criteria provided, single submitter. Criteria: ACMG Guidelines, 2015. Collection method: clinical testing. Allele origin: germline.

Mayo Clinic Laboratories, Mayo Clinic
Classification: Benign. Last evaluated: 2022-04-26. Review status: criteria provided, single submitter. Criteria: ACMG Guidelines, 2015. Collection method: clinical testing. Allele origin: germline. Observed: 185 variant alleles.

GeneDx
Classification: Benign. Last evaluated: 2018-11-09. Review status: criteria provided, single submitter. Criteria: GeneDx Variant Classification Process June 2021. Collection method: clinical testing. Allele origin: germline. Affected: yes.

Illumina Laboratory Services, Illumina
Classification: Benign for Primary ciliary dyskinesia 10. Last evaluated: 2018-01-13. Review status: criteria provided, single submitter. Criteria: ICSL Variant Classification Criteria 13 December 2019. Collection method: clinical testing. Allele origin: germline.
Comment: This variant was observed in the ICSL laboratory as part of a predisposition screen in an ostensibly healthy population. It had not been previously curated by ICSL or reported in the Human Gene Mutation Database (HGMD: prior to June 1st, 2018), and was therefore a candidate for classification through an automated scoring system. Utilizing variant allele frequency, disease prevalence and penetrance estimates, and inheritance mode, an automated score was calculated to assess if this variant is too frequent to cause the disease. Based on the score and internal cut-off values, a variant classified as benign is not then subjected to further curation. The score for this variant resulted in a classification of benign for this disease.

Clinical Genetics DNA and cytogenetics Diagnostics Lab, Erasmus MC, Erasmus Medical Center
Classification: Benign for Primary ciliary dyskinesia 10. Last evaluated: 2015-09-21. Review status: criteria provided, single submitter. Criteria: ACGS Guidelines, 2013. Collection method: clinical testing. Allele origin: germline. Affected: yes. Study: VKGL Data-share Consensus.

Eurofins Ntd Llc (ga)
Classification: Benign. Last evaluated: 2015-07-22. Review status: criteria provided, single submitter. Criteria: EGL Classification Definitions 2015. Collection method: clinical testing. Allele origin: germline. Observed: 6 variant alleles, 4 heterozygotes, 2 homozygotes.

Ambry Genetics
Classification: Benign for Primary ciliary dyskinesia. Last evaluated: 2014-11-26. Review status: criteria provided, single submitter. Criteria: Ambry Variant Classification Scheme 2023. Collection method: clinical testing. Allele origin: germline.

Laboratory for Molecular Medicine, Mass General Brigham Personalized Medicine
Classification: Benign. Last evaluated: 2013-02-21. Review status: criteria provided, single submitter. Criteria: LMM Criteria. Collection method: clinical testing. Allele origin: germline. Observed: 82 variant alleles.
Comment: Ala395Ala in exon 1 of DNAAF2: This variant is not expected to have clinical sig nificance because it does not alter an amino acid residue and is not located wit hin the splice consensus sequence. It has been identified in 81.2% (138/170) of European American chromosomes from a broad population by the 1000 Genomes Projec t (dbSNP rs2985686).

Breakthrough Genomics
Classification: Benign. Review status: criteria provided, single submitter. Criteria: ACMG Guidelines, 2015. Collection method: not provided. Allele origin: germline. Inheritance: Autosomal recessive inheritance. Affected: yes.

PreventionGenetics, part of Exact Sciences
Classification: Benign. Review status: criteria provided, single submitter. Criteria: ACMG Guidelines, 2015. Collection method: clinical testing. Allele origin: germline.

Diagnostic Laboratory, Department of Genetics, University Medical Center Groningen
Classification: Benign for Primary ciliary dyskinesia 10. Review status: no assertion criteria provided. Collection method: clinical testing. Allele origin: germline. Affected: yes. Study: VKGL Data-share Consensus. Not counted in ClinVar's aggregate classification.

NM_018139.3(DNAAF2):c.1185G>C (p.Ala395=)

Genes: DNAAF2 (dynein axonemal assembly factor 2; minus strand), LOC130055542 (ATAC-STARR-seq lymphoblastoid silent region 5699; plus strand). Cytogenetic location: 14q21.3.
Variant type: single nucleotide variant.
Coding change: c.1185G>C on transcript NM_018139.3 (MANE Select); coding-DNA position 1185, G replaced by C.
Protein change: p.Ala395=; no amino-acid change (alanine 395 retained).
Molecular consequence: synonymous variant. On other transcripts: 5 prime UTR variant (1).
Genome position (GRCh38, 1-based): chr14:49,633,965, C>G on the plus strand (G>C on the coding strand, the complement: DNAAF2 is on the minus strand). VCF-style: chr14-49633965-C-G. GRCh37 (hg19) VCF-style: chr14-50100683-C-G.
Other names: p.Ala395=; c.1185G>C, p.Ala395= (NM_001083908.2); c.-687G>C (NM_001378453.1).
Identifiers: ClinVar variation 95891 (VCV000095891.32), dbSNP rs2985686, ClinGen allele CA149010.